The following is an entry in ClinVar:

ClinVar aggregate classification (germline): Uncertain significance (1 of 4 stars; one submission).

Conditions:
PLXNA4-related disorder. Also called: PLXNA4-related condition.

Submission:

PreventionGenetics, part of Exact Sciences
Classification: Uncertain significance for PLXNA4-related condition. Last evaluated: 2025-03-26. Review status: criteria provided, single submitter. Criteria: ACMG Guidelines, 2015. Collection method: clinical testing. Allele origin: germline.
Comment: The PLXNA4 c.5438+1G>A variant is predicted to disrupt the GT donor site and interfere with normal splicing. To our knowledge, this variant has not been reported in the literature or in a large population database (gnomAD), indicating this variant is rare. At this time, the clinical significance of this variant is uncertain due to the absence of conclusive functional and genetic evidence.

NM_020911.2(PLXNA4):c.5438+1G>A

Gene: PLXNA4 (plexin A4; minus strand). Cytogenetic location: 7q32.3.
Variant type: single nucleotide variant.
Coding change: c.5438+1G>A on transcript NM_020911.2 (MANE Select); the canonical splice donor site of the intron after coding-DNA position 5438, G replaced by A.
Molecular consequence: splice donor variant.
Genome position (GRCh38, 1-based): chr7:132,140,598, C>T on the plus strand (G>A on the coding strand, the complement: PLXNA4 is on the minus strand). VCF-style: chr7-132140598-C-T. GRCh37 (hg19) VCF-style: chr7-131825357-C-T.
Other names: c.5438+1G>A (NM_001393897.1).
Identifiers: ClinVar variation 5002246 (VCV005002246.1).